The following is an entry in ClinVar:

ClinVar aggregate classification (germline): Uncertain significance (1 of 4 stars; one submission).

Conditions:
Hereditary cancer-predisposing syndrome. Also called: Tumor predisposition; Hereditary neoplastic syndrome; Hereditary Cancer Syndrome; Neoplastic Syndromes, Hereditary. Identifiers: Orphanet 140162, MedGen C0027672, MeSH D009386, MONDO:0015356.

Allele frequency attached by ClinVar (database versions not stated): gnomAD exomes below 0.00001.
gnomAD v4.1: 2 of 1,612,670 alleles (0.00012%); highest among the groups gnomAD compares: Non-Finnish European, 0.00017%; no homozygotes.

Submission:

Ambry Genetics
Classification: Uncertain significance for Hereditary cancer-predisposing syndrome. Last evaluated: 2023-11-29. Review status: criteria provided, single submitter. Criteria: Ambry Variant Classification Scheme 2023. Collection method: clinical testing. Allele origin: germline.
Comment: The c.1664-3C>G intronic variant results from a C to G substitution 3 nucleotides upstream from coding exon 13 in the SDHA gene. This nucleotide position is well conserved in available vertebrate species. In silico splice site analysis predicts that this alteration will not have any significant effect on splicing. Since supporting evidence is limited at this time, the clinical significance of this alteration remains unclear.

NM_004168.4(SDHA):c.1664-3C>G

Gene: SDHA (succinate dehydrogenase complex flavoprotein subunit A; plus strand). Cytogenetic location: 5p15.33.
Variant type: single nucleotide variant.
Coding change: c.1664-3C>G on transcript NM_004168.4 (MANE Select); 3 bases into the intron before coding-DNA position 1664, C replaced by G.
Molecular consequence: intron variant.
Genome position (GRCh38, 1-based): chr5:251,335, C>G. VCF-style: chr5-251335-C-G. GRCh37 (hg19) VCF-style: chr5-251450-C-G.
Other names: c.1552-3058C>G (NM_001330758.2); c.1520-3C>G (NM_001294332.2).
Identifiers: ClinVar variation 3223724 (VCV003223724.1), dbSNP rs2477457519, ClinGen allele CA2672972968.